The following is an entry in ClinVar:

NM_000245.4(MET):c.4142C>T (p.Thr1381Ile)

Gene: MET (MET proto-oncogene, receptor tyrosine kinase; plus strand). Cytogenetic location: 7q31.2.
Variant type: single nucleotide variant.
Coding change: c.4142C>T on transcript NM_000245.4 (MANE Select); coding-DNA position 4142, C replaced by T.
Protein change: p.Thr1381Ile; replaces threonine 1381 with isoleucine.
Molecular consequence: missense variant.
Genome position (GRCh38, 1-based): chr7:116,796,093, C>T. VCF-style: chr7-116796093-C-T. GRCh37 (hg19) VCF-style: chr7-116436147-C-T.
Other names: c.4196C>T, p.Thr1399Ile (NM_001127500.3); c.2852C>T, p.Thr951Ile (NM_001324402.2); c.4196C>T (NM_001127500.1); short protein forms T951I, T1381I, T1399I.
Identifiers: ClinVar variation 1524782 (VCV001524782.10), dbSNP rs2117113682, ClinGen allele CA369118484.
Genomic context (GRCh38, chr7:116,796,093, plus strand): 5'-GTGTCGCTCCGTATCCTTCTCTGTTGTCATCAGAAGATAACGCTGATGATGAGGTGGACA[C>T]ACGACCAGCCTCCTTCTGGGAGACATCATAGTGCTAGTACTATGTCAAAGCAACAGTCCA-3'
Protein context (NP_000236.2, residues 1371-1390): SEDNADDEVD[Thr1381Ile]RPASFWETS

ClinVar aggregate classification (germline): Uncertain significance. Review status: criteria provided, multiple submitters, no conflicts (2 of 4 stars). 2 submissions from 2 submitters: Uncertain significance (2). Last evaluated 2025-11-19.

Conditions:
Renal cell carcinoma. Identifiers: Orphanet 217071, MedGen C0007134, MeSH D002292, MONDO:0005086, HP:0005584.
Hereditary cancer-predisposing syndrome. Also called: Neoplastic Syndromes, Hereditary; Hereditary Cancer Syndrome; Tumor predisposition; Hereditary neoplastic syndrome. Identifiers: Orphanet 140162, MedGen C0027672, MeSH D009386, MONDO:0015356.

Allele frequency attached by ClinVar (database versions not stated): gnomAD exomes below 0.00001.
gnomAD v4.1: 3 of 1,614,136 alleles (0.00019%); highest among the groups gnomAD compares: Non-Finnish European, 0.00017%; no homozygotes.

Submissions (2):

Ambry Genetics
Classification: Uncertain significance for Hereditary cancer-predisposing syndrome. Last evaluated: 2025-11-19. Review status: criteria provided, single submitter. Criteria: Ambry Variant Classification Scheme 2023. Collection method: clinical testing. Allele origin: germline.
Comment: The p.T1399I variant (also known as c.4196C>T), located in coding exon 20 of the MET gene, results from a C to T substitution at nucleotide position 4196. The threonine at codon 1399 is replaced by isoleucine, an amino acid with similar properties. This amino acid position is conserved. In addition, the in silico prediction for this alteration is inconclusive. Since supporting evidence is limited at this time, the clinical significance of this alteration remains unclear.

Labcorp Genetics (formerly Invitae), Labcorp
Classification: Uncertain significance for Renal cell carcinoma. Last evaluated: 2024-12-03. Review status: criteria provided, single submitter. Criteria: Invitae Variant Classification Sherloc (09022015). Collection method: clinical testing. Allele origin: germline.
Comment: This sequence change replaces threonine, which is neutral and polar, with isoleucine, which is neutral and non-polar, at codon 1399 of the MET protein (p.Thr1399Ile). This variant is not present in population databases (gnomAD no frequency). This variant has not been reported in the literature in individuals affected with MET-related conditions. ClinVar contains an entry for this variant (Variation ID: 1524782). An algorithm developed to predict the effect of missense changes on protein structure and function (PolyPhen-2) suggests that this variant is likely to be disruptive. In summary, the available evidence is currently insufficient to determine the role of this variant in disease. Therefore, it has been classified as a Variant of Uncertain Significance.